The following is an entry in ClinVar:

ClinVar aggregate classification (germline): Uncertain significance (1 of 4 stars; one submission).

Conditions:
Cardiovascular phenotype. Identifiers: MedGen CN230736.
Hereditary cancer-predisposing syndrome. Also called: Tumor predisposition; Neoplastic Syndromes, Hereditary; Hereditary neoplastic syndrome; Hereditary Cancer Syndrome. Identifiers: Orphanet 140162, MedGen C0027672, MeSH D009386, MONDO:0015356.

Submission:

Ambry Genetics
Classification: Uncertain significance for Cardiovascular phenotype; Hereditary cancer-predisposing syndrome. Last evaluated: 2025-08-24. Review status: criteria provided, single submitter. Criteria: Ambry Variant Classification Scheme 2023. Collection method: clinical testing. Allele origin: germline.
Comment: The p.E353G variant (also known as c.1058A>G), located in coding exon 10 of the LZTR1 gene, results from an A to G substitution at nucleotide position 1058. The glutamic acid at codon 353 is replaced by glycine, an amino acid with similar properties. This amino acid position is conserved. In addition, this alteration is predicted to be tolerated by in silico analysis. Based on the available evidence, the clinical significance of this variant remains unclear.

NM_006767.4(LZTR1):c.1058A>G (p.Glu353Gly)

Gene: LZTR1 (leucine zipper like post translational regulator 1; plus strand). Cytogenetic location: 22q11.21.
Variant type: single nucleotide variant.
Coding change: c.1058A>G on transcript NM_006767.4 (MANE Select); coding-DNA position 1058, A replaced by G.
Protein change: p.Glu353Gly; replaces glutamic acid 353 with glycine.
Molecular consequence: missense variant.
Genome position (GRCh38, 1-based): chr22:20,992,278, A>G. VCF-style: chr22-20992278-A-G. GRCh37 (hg19) VCF-style: chr22-21346567-A-G.
Other names: short protein forms E353G.
Identifiers: ClinVar variation 4101936 (VCV004101936.1).